The following is an entry in ClinVar:

ClinVar aggregate classification (germline): Pathogenic/Likely pathogenic. Review status: criteria provided, multiple submitters, no conflicts (2 of 4 stars). 4 submissions from 4 submitters: Pathogenic (1); Likely pathogenic (3). Last evaluated 2022-07-25.

Conditions:
Neuronopathy, distal hereditary motor, autosomal recessive 4. Also called: Autosomal recessive lower motor neuron disease with childhood onset; NEUROPATHY, DISTAL HEREDITARY MOTOR, AUTOSOMAL RECESSIVE 4. Identifiers: Orphanet 206580, MedGen C1970211, MONDO:0012608, OMIM 611067.
Charcot-Marie-Tooth disease recessive intermediate C. Also called: CHARCOT-MARIE-TOOTH NEUROPATHY, RECESSIVE INTERMEDIATE C. Identifiers: Orphanet 369867, MedGen C3809309, MONDO:0014154, OMIM 615376.

Submissions (4):

Labcorp Genetics (formerly Invitae), Labcorp
Classification: Likely pathogenic for Neuronopathy, distal hereditary motor, autosomal recessive 4; Charcot-Marie-Tooth disease recessive intermediate C. Last evaluated: 2022-07-25. Review status: criteria provided, single submitter. Criteria: Invitae Variant Classification Sherloc (09022015). Collection method: clinical testing. Allele origin: germline.
Comment: This variant has not been reported in the literature in individuals affected with PLEKHG5-related conditions. In summary, the currently available evidence indicates that the variant is pathogenic, but additional data are needed to prove that conclusively. Therefore, this variant has been classified as Likely Pathogenic. Algorithms developed to predict the effect of sequence changes on RNA splicing suggest that this variant may disrupt the consensus splice site. ClinVar contains an entry for this variant (Variation ID: 493018). This variant is not present in population databases (gnomAD no frequency). This sequence change affects an acceptor splice site in intron 9 of the PLEKHG5 gene. It is expected to disrupt RNA splicing. Variants that disrupt the donor or acceptor splice site typically lead to a loss of protein function (PMID: 16199547), and loss-of-function variants in PLEKHG5 are known to be pathogenic (PMID: 17564964, 23777631).

Mendelics
Classification: Pathogenic for Neuronopathy, distal hereditary motor, autosomal recessive 4. Last evaluated: 2022-05-04. Review status: criteria provided, single submitter. Criteria: Mendelics Assertion Criteria 2019. Collection method: clinical testing. Allele origin: germline.

MGZ Medical Genetics Center
Classification: Likely pathogenic for Charcot-Marie-Tooth disease recessive intermediate C. Last evaluated: 2021-11-19. Review status: criteria provided, single submitter. Criteria: ACMG Guidelines, 2015. Collection method: clinical testing. Allele origin: germline. Affected: yes. Observed: 1 variant allele.
Comment: ACMG criteria applied: PVS1, PM2_SUP

CeGaT Center for Human Genetics Tuebingen
Classification: Likely pathogenic. Last evaluated: 2017-09-01. Review status: criteria provided, single submitter. Criteria: CeGaT Center For Human Genetics Tuebingen Variant Classification Criteria Version 2. Collection method: clinical testing. Allele origin: germline. Affected: yes. Observed: 1 variant allele.

Literature cited by the submitters: PubMed 16199547 (cited by Labcorp Genetics (formerly Invitae), Labcorp); PubMed 17564964 (cited by Labcorp Genetics (formerly Invitae), Labcorp); PubMed 23777631 (cited by Labcorp Genetics (formerly Invitae), Labcorp).

NM_020631.6(PLEKHG5):c.985-2A>G

Gene: PLEKHG5 (pleckstrin homology and RhoGEF domain containing G5; minus strand). Cytogenetic location: 1p36.31.
Variant type: single nucleotide variant.
Coding change: c.985-2A>G on transcript NM_020631.6 (MANE Select); the canonical splice acceptor site of the intron before coding-DNA position 985, A replaced by G.
Molecular consequence: splice acceptor variant.
Genome position (GRCh38, 1-based): chr1:6,472,624, T>C on the plus strand (A>G on the coding strand, the complement: PLEKHG5 is on the minus strand). VCF-style: chr1-6472624-T-C. GRCh37 (hg19) VCF-style: chr1-6532684-T-C.
Other names: c.985-2A>G (NM_198681.4, NM_001265594.3, NM_001042664.2 and 1 more transcripts); c.1096-2A>G (NM_001042663.3, NM_001265592.2); c.1192-2A>G (NM_001265593.2).
Identifiers: ClinVar variation 493018 (VCV000493018.51), dbSNP rs1553174566, ClinGen allele CA338133178.
Genomic context (GRCh38, chr1:6,472,624, plus strand): 5'-TCCGTGTGCAGCAGCTCCCACACCGCCTCCTGCTGGTGGCACTGCCGCCGGGTCAGCTTC[T>C]AGAGGGAGGGCAGGATGGGTCATTCACGAGGCCTGGAGCACCTTAGGGTGGCCGGGGAGG-3'